The following is an entry in ClinVar:

ClinVar aggregate classification (germline): Likely pathogenic (1 of 4 stars; one submission).

Conditions:
DDX41-related hematologic malignancy predisposition syndrome. Also called: DDX41-Associated Familial Myelodysplastic Syndrome and Acute Myeloid Leukemia; Myeloproliferative/lymphoproliferative neoplasms, familial (multiple types), susceptibility to. Identifiers: Orphanet 488647, MedGen C4225174, MONDO:0014809, OMIM 616871.

Submission:

Saint-Louis Hospital, Assistance Publique Hôpitaux de Paris
Classification: Likely pathogenic for DDX41-related hematologic malignancy predisposition syndrome. Last evaluated: 2025-05-13. Review status: criteria provided, single submitter. Criteria: ACMG Guidelines, 2015. Collection method: clinical testing. Allele origin: germline. Affected: yes.
Comment: The variant DDX41 (NM_016222.4):c.1098+2T>C is supposed to highly alter splicing and loss-of-function variants in DDX41 are known to be pathogenic (PMID: 26712909, 27133828). It is absent form control population databases.

Literature cited by the submitters: PubMed 26712909; PubMed 27133828.

NM_016222.4(DDX41):c.1098+2T>C

Gene: DDX41 (DEAD-box helicase 41; minus strand). Cytogenetic location: 5q35.3.
Variant type: single nucleotide variant.
Coding change: c.1098+2T>C on transcript NM_016222.4 (MANE Select); the canonical splice donor site of the intron after coding-DNA position 1098, T replaced by C.
Molecular consequence: splice donor variant.
Genome position (GRCh38, 1-based): chr5:177,513,683, A>G on the plus strand (T>C on the coding strand, the complement: DDX41 is on the minus strand). VCF-style: chr5-177513683-A-G. GRCh37 (hg19) VCF-style: chr5-176940684-A-G.
Other names: c.720+2T>C (NM_001321830.2, NM_001321732.2).
Identifiers: ClinVar variation 3899312 (VCV003899312.1).